The following is an entry in ClinVar:

NM_016030.6(TRAPPC12):c.611C>T (p.Pro204Leu)

Gene: TRAPPC12 (trafficking protein particle complex subunit 12; plus strand). Cytogenetic location: 2p25.3.
Variant type: single nucleotide variant.
Coding change: c.611C>T on transcript NM_016030.6 (MANE Select); coding-DNA position 611, C replaced by T.
Protein change: p.Pro204Leu; replaces proline 204 with leucine.
Molecular consequence: missense variant.
Genome position (GRCh38, 1-based): chr2:3,388,234, C>T. VCF-style: chr2-3388234-C-T. GRCh37 (hg19) VCF-style: chr2-3392005-C-T.
Other names: c.611C>T, p.Pro204Leu (NM_001321102.2); short protein forms P204L.
Identifiers: ClinVar variation 2352719 (VCV002352719.4), dbSNP rs368196628, ClinGen allele CA1515115.

ClinVar aggregate classification (germline): Uncertain significance. Review status: criteria provided, single submitter (1 of 4 stars). 2 submissions from 2 submitters: Uncertain significance (1). 1 of the submissions does not count toward it. Last evaluated 2021-10-18.

Conditions:
TRAPPC12-related disorder. Also called: TRAPPC12-related condition.
Inborn genetic diseases. Identifiers: MedGen C0950123, MeSH D030342.

Allele frequency attached by ClinVar (database versions not stated): ESP Exome Variant Server 0.00008; gnomAD 0.00008; gnomAD exomes 0.00011; ExAC 0.00012; TOPMed 0.00012.
gnomAD v4.1: 175 of 1,608,892 alleles (0.011%); highest among the groups gnomAD compares: Middle Eastern, 0.083%; no homozygotes.

Submissions (2):

Ambry Genetics
Classification: Uncertain significance for Inborn genetic diseases. Last evaluated: 2021-10-18. Review status: criteria provided, single submitter. Criteria: Ambry Variant Classification Scheme 2023. Collection method: clinical testing. Allele origin: germline.

PreventionGenetics, part of Exact Sciences
Classification: Uncertain significance for TRAPPC12-related condition. Last evaluated: 2023-12-04. Review status: no assertion criteria provided. Collection method: clinical testing. Allele origin: germline. Not counted in ClinVar's aggregate classification.
Comment: The TRAPPC12 c.611C>T variant is predicted to result in the amino acid substitution p.Pro204Leu. To our knowledge, this variant has not been reported in the literature. This variant is reported in 0.081% of alleles in individuals of Ashkenazi Jewish descent in gnomAD. At this time, the clinical significance of this variant is uncertain due to the absence of conclusive functional and genetic evidence.